The following is an entry in ClinVar:

NM_000053.4(ATP7B):c.208C>T (p.Gln70Ter)

Gene: ATP7B (ATPase copper transporting beta; minus strand). Cytogenetic location: 13q14.3.
Variant type: single nucleotide variant.
Coding change: c.208C>T on transcript NM_000053.4 (MANE Select); coding-DNA position 208, C replaced by T.
Protein change: p.Gln70Ter; replaces glutamine 70 with a stop codon.
Molecular consequence: nonsense.
Genome position (GRCh38, 1-based): chr13:51,975,012, G>A on the plus strand (C>T on the coding strand, the complement: ATP7B is on the minus strand). VCF-style: chr13-51975012-G-A. GRCh37 (hg19) VCF-style: chr13-52549148-G-A.
Other names: c.208C>T, p.Gln70Ter (NM_001406514.1, NM_001406515.1, NM_001406516.1 and 30 more transcripts); c.112C>T, p.Gln38Ter (NM_001406517.1, NM_001406518.1, NM_001406530.1 and 4 more transcripts); short protein forms Q38*, Q70*.
Identifiers: ClinVar variation 1785710 (VCV001785710.10), dbSNP rs2547825108, ClinGen allele CA388044970.

ClinVar aggregate classification (germline): Pathogenic/Likely pathogenic. Review status: criteria provided, multiple submitters, no conflicts (2 of 4 stars). 5 submissions from 5 submitters: Pathogenic (4); Likely pathogenic (1). Last evaluated 2025-09-29.

Conditions:
Inborn genetic diseases. Identifiers: MedGen C0950123, MeSH D030342.
Wilson disease (WND). Also called: Wilson's disease. Identifiers: Orphanet 905, MedGen C0019202, MONDO:0010200, OMIM 277900. Disease mechanism: loss of function.

Submissions (5):

Natera, Inc.
Classification: Likely pathogenic for Wilson disease. Last evaluated: 2025-09-29. Review status: criteria provided, single submitter. Criteria: Natera Variant Classification Schema (03/2026). Collection method: clinical testing. Allele origin: germline.
Comment: The c.208C>T variant in ATP7B is a nonsense variant predicted to introduce a stop codon at amino acid 70. This variant is expected to result in nonsense mediated decay, truncation, or a dysfunctional protein product. This variant is rare in the general population with a frequency below the threshold expected for the associated phenotype(s). Given the available evidence, this variant is classified as Likely Pathogenic.

All of Us Research Program, National Institutes of Health
Classification: Pathogenic for Wilson disease. Last evaluated: 2024-09-27. Review status: criteria provided, single submitter. Criteria: ACMG Guidelines, 2015. Collection method: clinical testing. Allele origin: germline. Inheritance: Autosomal recessive inheritance. Observed: 2 variant alleles, 2 heterozygotes.
Comment: This variant changes 1 nucleotide in exon 2 of the ATP7B gene, creating a premature translation stop signal. This variant is expected to result in an absent or non-functional protein product. To our knowledge, this variant has not been reported in individuals affected with ATP7B-related disorders in the literature. This variant has not been identified in the general population by the Genome Aggregation Database (gnomAD). Loss of ATP7B function is a known mechanism of disease. Based on the available evidence, this variant is classified as Pathogenic.

This study involves interpretation of variants in research participants for the purpose of population health screening. Participant phenotype was not available at the time of variant classification. Additional details can be found in publication PMID: 35346344, PMCID: PMC8962531

Color Diagnostics, LLC DBA Color Health
Classification: Pathogenic for Wilson disease. Last evaluated: 2024-07-10. Review status: criteria provided, single submitter. Criteria: ACMG Guidelines, 2015. Collection method: clinical testing. Allele origin: germline.
Comment: This variant changes 1 nucleotide in exon 2 of the ATP7B gene, creating a premature translation stop signal. This variant is expected to result in an absent or non-functional protein product. To our knowledge, this variant has not been reported in individuals affected with ATP7B-related disorders in the literature. This variant has not been identified in the general population by the Genome Aggregation Database (gnomAD). Loss of ATP7B function is a known mechanism of disease. Based on the available evidence, this variant is classified as Pathogenic.

Labcorp Genetics (formerly Invitae), Labcorp
Classification: Pathogenic for Wilson disease. Last evaluated: 2024-01-27. Review status: criteria provided, single submitter. Criteria: Invitae Variant Classification Sherloc (09022015). Collection method: clinical testing. Allele origin: germline.
Comment: This sequence change creates a premature translational stop signal (p.Gln70*) in the ATP7B gene. It is expected to result in an absent or disrupted protein product. Loss-of-function variants in ATP7B are known to be pathogenic (PMID: 10441329, 16283883). This variant is not present in population databases (gnomAD no frequency). This variant has not been reported in the literature in individuals affected with ATP7B-related conditions. ClinVar contains an entry for this variant (Variation ID: 1785710). For these reasons, this variant has been classified as Pathogenic.

Ambry Genetics
Classification: Pathogenic for Inborn genetic diseases. Last evaluated: 2016-04-08. Review status: criteria provided, single submitter. Criteria: Ambry Variant Classification Scheme 2023. Collection method: clinical testing. Allele origin: germline.
Comment: The p.Q70* pathogenic mutation (also known as c.208C>T), located in coding exon 2 of the ATP7B gene, results from a C to T substitution at nucleotide position 208. This changes the amino acid from a glutamine to a stop codon within coding exon 2. Since premature stop codons are typically deleterious in nature, this alteration is interpreted as a disease-causing mutation (ACMG Recommendations for Standards for Interpretation and Reporting of Sequence Variations. Revision 2007. Genet Med. 2008;10:294).

Literature cited by the submitters: PubMed 10441329 (cited by Labcorp Genetics (formerly Invitae), Labcorp); PubMed 16283883 (cited by Labcorp Genetics (formerly Invitae), Labcorp).